The following is an entry in ClinVar:

NM_021619.3(PRDM12):c.835C>G (p.Arg279Gly)

Gene: PRDM12 (PR/SET domain 12; plus strand). Cytogenetic location: 9q34.12.
Variant type: single nucleotide variant.
Coding change: c.835C>G on transcript NM_021619.3 (MANE Select); coding-DNA position 835, C replaced by G.
Protein change: p.Arg279Gly; replaces arginine 279 with glycine.
Molecular consequence: missense variant.
Genome position (GRCh38, 1-based): chr9:130,681,400, C>G. VCF-style: chr9-130681400-C-G. GRCh37 (hg19) VCF-style: chr9-133556787-C-G.
Other names: short protein forms R279G.
Identifiers: ClinVar variation 1763072 (VCV001763072.2), dbSNP rs766390947, ClinGen allele CA5284666.

ClinVar aggregate classification (germline): Uncertain significance (1 of 4 stars; one submission).

Conditions:
Inborn genetic diseases. Identifiers: MedGen C0950123, MeSH D030342.

Allele frequency attached by ClinVar (database versions not stated): ExAC 0.00001; gnomAD exomes 0.00002.

Submission:

Ambry Genetics
Classification: Uncertain significance for Inborn genetic diseases. Last evaluated: 2022-06-22. Review status: criteria provided, single submitter. Criteria: Ambry Variant Classification Scheme 2023. Collection method: clinical testing. Allele origin: germline.
Comment: The p.R279G variant (also known as c.835C>G), located in coding exon 5 of the PRDM12 gene, results from a C to G substitution at nucleotide position 835. The arginine at codon 279 is replaced by glycine, an amino acid with dissimilar properties. This amino acid position is highly conserved in available vertebrate species. In addition, this alteration is predicted to be tolerated by in silico analysis. Since supporting evidence is limited at this time, the clinical significance of this alteration remains unclear.